The following is an entry in ClinVar:

ClinVar aggregate classification (germline): Uncertain significance. Review status: criteria provided, multiple submitters, no conflicts (2 of 4 stars). 2 submissions from 2 submitters: Uncertain significance (2). Last evaluated 2023-03-07.

Conditions:
Fanconi anemia (FA). Also called: Fanconi's anemia. Identifiers: Orphanet 84, MedGen C0015625, MeSH D005199, MONDO:0019391.

gnomAD v4.1: 3 of 1,614,258 alleles (0.00019%); highest among the groups gnomAD compares: East Asian, 0.0022%; no homozygotes.

Submissions (2):

Labcorp Genetics (formerly Invitae), Labcorp
Classification: Uncertain significance for Fanconi anemia. Last evaluated: 2023-03-07. Review status: criteria provided, single submitter. Criteria: Invitae Variant Classification Sherloc (09022015). Collection method: clinical testing. Allele origin: germline.
Comment: An algorithm developed to predict the effect of missense changes on protein structure and function (PolyPhen-2) suggests that this variant is likely to be tolerated. In summary, the available evidence is currently insufficient to determine the role of this variant in disease. Therefore, it has been classified as a Variant of Uncertain Significance. ClinVar contains an entry for this variant (Variation ID: 1337360). This variant has not been reported in the literature in individuals affected with FANCL-related conditions. This variant is not present in population databases (gnomAD no frequency). This sequence change replaces cysteine, which is neutral and slightly polar, with tyrosine, which is neutral and polar, at codon 12 of the FANCL protein (p.Cys12Tyr).

Genetic Services Laboratory, University of Chicago
Classification: Uncertain significance. Last evaluated: 2019-09-09. Review status: criteria provided, single submitter. Criteria: ACMG Guidelines, 2015. Collection method: clinical testing. Allele origin: germline. Affected: no.

NM_018062.4(FANCL):c.35G>A (p.Cys12Tyr)

Gene: FANCL (FA complementation group L; minus strand). Cytogenetic location: 2p16.1.
Variant type: single nucleotide variant.
Coding change: c.35G>A on transcript NM_018062.4 (MANE Select); coding-DNA position 35, G replaced by A.
Protein change: p.Cys12Tyr; replaces cysteine 12 with tyrosine.
Molecular consequence: missense variant.
Genome position (GRCh38, 1-based): chr2:58,241,279, C>T on the plus strand (G>A on the coding strand, the complement: FANCL is on the minus strand). VCF-style: chr2-58241279-C-T. GRCh37 (hg19) VCF-style: chr2-58468414-C-T.
Other names: c.35G>A, p.Cys12Tyr (NM_001114636.2, NM_001374615.1, NM_001410792.1); short protein forms C12Y.
Identifiers: ClinVar variation 1337360 (VCV001337360.8), dbSNP rs2104082854, ClinGen allele CA347035166.